The following is an entry in ClinVar:

NM_000069.3(CACNA1S):c.4797+1G>A

Gene: CACNA1S (calcium voltage-gated channel subunit alpha1 S; minus strand). Cytogenetic location: 1q32.1.
Variant type: single nucleotide variant.
Coding change: c.4797+1G>A on transcript NM_000069.3 (MANE Select); the canonical splice donor site of the intron after coding-DNA position 4797, G replaced by A.
Molecular consequence: splice donor variant.
Genome position (GRCh38, 1-based): chr1:201,044,327, C>T on the plus strand (G>A on the coding strand, the complement: CACNA1S is on the minus strand). VCF-style: chr1-201044327-C-T. GRCh37 (hg19) VCF-style: chr1-201013455-C-T.
Identifiers: ClinVar variation 2928843 (VCV002928843.3), dbSNP rs1323823133, ClinGen allele CA344138794.
Genomic context (GRCh38, chr1:201,044,327, plus strand): 5'-CTGTGAGACACTGCCACTCATGGTGTCTAGACCACTAGGGGTGCTCCTGGCTCTCCCTCA[C>T]CCGGAATATTCCCTCCTCCATCGCAGCCTCCACCATGGCTCTCTCCAGCTCCTCCTCAGC-3'

ClinVar aggregate classification (germline): Likely pathogenic (1 of 4 stars; one submission).

Conditions:
Malignant hyperthermia, susceptibility to, 5 (MHS5). Also called: CACNA1S-Related Malignant Hyperthermia Susceptibility. Identifiers: Orphanet 423, MedGen C1866077, MONDO:0011163, OMIM 601887.
Hypokalemic periodic paralysis, type 1. Also called: Hypokalemic Periodic Paralysis Type 1 (AD); HypoPP. Identifiers: Orphanet 681, MedGen C3714580, MONDO:0042979, OMIM 170400.

Allele frequency attached by ClinVar (database versions not stated): gnomAD exomes below 0.00001; gnomAD 0.00001; TOPMed 0.00001.
gnomAD v4.1: 2 of 1,613,246 alleles (0.00012%); highest among the groups gnomAD compares: Admixed American, 0.0017%; no homozygotes.

Submission:

Labcorp Genetics (formerly Invitae), Labcorp
Classification: Likely pathogenic for Hypokalemic periodic paralysis, type 1; Malignant hyperthermia, susceptibility to, 5. Last evaluated: 2023-08-25. Review status: criteria provided, single submitter. Criteria: Invitae Variant Classification Sherloc (09022015). Collection method: clinical testing. Allele origin: germline.
Comment: In summary, the currently available evidence indicates that the variant is pathogenic, but additional data are needed to prove that conclusively. Therefore, this variant has been classified as Likely Pathogenic. Algorithms developed to predict the effect of sequence changes on RNA splicing suggest that this variant may disrupt the consensus splice site. This variant has not been reported in the literature in individuals affected with CACNA1S-related conditions. This variant is not present in population databases (gnomAD no frequency). This sequence change affects a donor splice site in intron 39 of the CACNA1S gene. It is expected to disrupt RNA splicing. Variants that disrupt the donor or acceptor splice site typically lead to a loss of protein function (PMID: 16199547), and loss-of-function variants in CACNA1S are known to be pathogenic (PMID: 26247046, 28012042).

Literature cited by the submitters: PubMed 16199547; PubMed 26247046; PubMed 28012042.